The following is an entry in ClinVar:

ClinVar aggregate classification (germline): Conflicting classifications of pathogenicity. Review status: criteria provided, conflicting classifications (1 of 4 stars). 4 submissions from 4 submitters: Uncertain significance (1); Likely benign (2). 1 of the submissions does not count toward it. Last evaluated 2026-01-28.

Conditions:
Corneal dystrophy. Identifiers: Orphanet 34533, MedGen C0010036, MONDO:0018102, HP:0001131.
SLC4A11-related disorder. Also called: SLC4A11-related condition.

Allele frequency attached by ClinVar (database versions not stated): ESP Exome Variant Server 0.00038; TOPMed 0.00065; 1000 Genomes Project 30x 0.00078; 1000 Genomes Project 0.00080.
gnomAD v4.1: 1,728 of 1,613,946 alleles (0.11%); highest among the groups gnomAD compares: Non-Finnish European, 0.14%; 1 homozygote.

Submissions (4):

Labcorp Genetics (formerly Invitae), Labcorp
Classification: Likely benign. Last evaluated: 2026-01-28. Review status: criteria provided, single submitter. Criteria: Invitae Variant Classification Sherloc (09022015). Collection method: clinical testing. Allele origin: germline.

Women's Health and Genetics/Laboratory Corporation of America, LabCorp
Classification: Likely benign. Last evaluated: 2025-11-03. Review status: criteria provided, single submitter. Criteria: LabCorp Variant Classification Summary - May 2015. Collection method: clinical testing. Allele origin: germline.
Comment: Variant summary: SLC4A11 c.563G>A (p.Arg188Gln) results in a conservative amino acid change in the encoded protein sequence. Algorithms developed to predict the effect of missense changes on protein structure and function all suggest that this variant is likely to be tolerated. The variant allele was found at a frequency of 0.0011 in 1613946 control chromosomes, predominantly at a frequency of 0.0014 within the Non-Finnish European subpopulation in the gnomAD database, including 1 homozygotes. The observed variant frequency within Non-Finnish European control individuals in the gnomAD database exceeds the estimated maximal expected allele frequency for disease-causing variants in SLC4A11. To our knowledge, no occurrence of c.563G>A in individuals affected with SLC4A11-related conditions and no experimental evidence demonstrating its impact on protein function have been reported. ClinVar contains an entry for this variant (Variation ID: 338256). Based on the evidence outlined above, the variant was classified as likely benign.

Illumina Laboratory Services, Illumina
Classification: Uncertain significance for Corneal dystrophy. Last evaluated: 2018-01-13. Review status: criteria provided, single submitter. Criteria: ICSL Variant Classification Criteria 13 December 2019. Collection method: clinical testing. Allele origin: germline.

PreventionGenetics, part of Exact Sciences
Classification: Likely benign for SLC4A11-related condition. Last evaluated: 2024-05-03. Review status: no assertion criteria provided. Collection method: clinical testing. Allele origin: germline. Not counted in ClinVar's aggregate classification.
Comment: This variant is classified as likely benign based on ACMG/AMP sequence variant interpretation guidelines (Richards et al. 2015 PMID: 25741868, with internal and published modifications).

NM_001174089.2(SLC4A11):c.515G>A (p.Arg172Gln)

Gene: SLC4A11 (solute carrier family 4 member 11; minus strand). Cytogenetic location: 20p13.
Variant type: single nucleotide variant.
Coding change: c.515G>A on transcript NM_001174089.2 (MANE Select); coding-DNA position 515, G replaced by A.
Protein change: p.Arg172Gln; replaces arginine 172 with glutamine.
Molecular consequence: missense variant. On other transcripts: non-coding transcript variant (1).
Genome position (GRCh38, 1-based): chr20:3,234,091, C>T on the plus strand (G>A on the coding strand, the complement: SLC4A11 is on the minus strand). VCF-style: chr20-3234091-C-T. GRCh37 (hg19) VCF-style: chr20-3214737-C-T.
Other names: c.644G>A, p.Arg215Gln (NM_001174090.2); c.515G>A, p.Arg172Gln (NM_001363745.2); c.563G>A, p.Arg188Gln (NM_032034.4); short protein forms R188Q, R172Q, R215Q.
Identifiers: ClinVar variation 338256 (VCV000338256.10), dbSNP rs149016022, ClinGen allele CA9742267.